The following is an entry in ClinVar:

NM_024675.4(PALB2):c.204del (p.Lys68fs)

Gene: PALB2 (partner and localizer of BRCA2; minus strand). Cytogenetic location: 16p12.2.
Variant type: Deletion.
Coding change: c.204del on transcript NM_024675.4 (MANE Select); coding-DNA position 204, one base deleted (A; older notation c.204delA).
Protein change: p.Lys68fs; shifts the reading frame from lysine 68.
Molecular consequence: frameshift variant.
Genome position (GRCh38, 1-based): chr16:23,637,857, T deleted on the plus strand (A on the coding strand, the reverse complement: PALB2 is on the minus strand); the first of 4 consecutive T bases (chr16:23,637,857-23,637,860); deleting any one gives the same sequence. VCF-style (leftmost placement, unchanged base first): chr16-23637856-GT-G. GRCh37 (hg19) VCF-style: chr16-23649177-GT-G.
Other names: c.204delA (NM_024675.3); short protein forms K68fs.
Identifiers: ClinVar variation 545754 (VCV000545754.7), dbSNP rs1555462031, ClinGen allele CA658824051.

ClinVar aggregate classification (germline): Pathogenic. Review status: criteria provided, multiple submitters, no conflicts (2 of 4 stars). 4 submissions from 4 submitters: Pathogenic (4). Last evaluated 2024-12-26.

Conditions:
Hereditary cancer-predisposing syndrome. Also called: Neoplastic Syndromes, Hereditary; Hereditary Cancer Syndrome; Tumor predisposition; Hereditary neoplastic syndrome. Identifiers: Orphanet 140162, MedGen C0027672, MeSH D009386, MONDO:0015356.
Familial cancer of breast. Also called: Hereditary breast cancer; hereditary breast carcinoma; BREAST CANCER, FAMILIAL. Identifiers: Orphanet 227535, MedGen C0346153, MONDO:0016419, OMIM 114480. Disease mechanism: loss of function.

Submissions (4):

Labcorp Genetics (formerly Invitae), Labcorp
Classification: Pathogenic for Familial cancer of breast. Last evaluated: 2024-12-26. Review status: criteria provided, single submitter. Criteria: Invitae Variant Classification Sherloc (09022015). Collection method: clinical testing. Allele origin: germline.
Comment: This sequence change creates a premature translational stop signal (p.Lys68Asnfs*109) in the PALB2 gene. It is expected to result in an absent or disrupted protein product. Loss-of-function variants in PALB2 are known to be pathogenic (PMID: 17200668, 17200671, 17200672, 24136930, 25099575). This variant is not present in population databases (gnomAD no frequency). This variant has not been reported in the literature in individuals affected with PALB2-related conditions. ClinVar contains an entry for this variant (Variation ID: 545754). For these reasons, this variant has been classified as Pathogenic.

Myriad Genetics, Inc.
Classification: Pathogenic for Familial cancer of breast. Last evaluated: 2023-09-06. Review status: criteria provided, single submitter. Criteria: Myriad Autosomal Dominant, Autosomal Recessive and X-Linked Classification Criteria (2023). Collection method: clinical testing. Allele origin: unknown.
Comment: This variant is considered pathogenic. This variant creates a frameshift predicted to result in premature protein truncation.

Ambry Genetics
Classification: Pathogenic for Hereditary cancer-predisposing syndrome. Last evaluated: 2020-09-17. Review status: criteria provided, single submitter. Criteria: Ambry Variant Classification Scheme 2023. Collection method: clinical testing. Allele origin: germline.
Comment: The c.204delA pathogenic mutation, located in coding exon 3 of the PALB2 gene, results from a deletion of one nucleotide at nucleotide position 204, causing a translational frameshift with a predicted alternate stop codon (p.K68Nfs*109). This alteration is expected to result in loss of function by premature protein truncation or nonsense-mediated mRNA decay. As such, this alteration is interpreted as a disease-causing mutation.

GeneDx
Classification: Pathogenic. Last evaluated: 2016-12-01. Review status: criteria provided, single submitter. Criteria: GeneDx Variant Classification (06012015). Collection method: clinical testing. Allele origin: germline. Affected: yes.
Comment: This deletion of one nucleotide in PALB2 is denoted c.204delA at the cDNA level and p.Lys68AsnfsX109 (K68NfsX109) at the protein level. The normal sequence, with the base that is deleted in brackets, is TAAA[delA]CACT. The deletion causes a frameshift which changes a Lysine to an Asparagine at codon 68, and creates a premature stop codon at position 109 of the new reading frame. Although this variant has not, to our knowledge, been reported in the literature, it is predicted to cause loss of normal protein function through either protein truncation or nonsense-mediated mRNA decay. We consider this variant to be pathogenic.

Literature cited by the submitters: PubMed 17200668 (cited by Labcorp Genetics (formerly Invitae), Labcorp); PubMed 17200671 (cited by Labcorp Genetics (formerly Invitae), Labcorp); PubMed 17200672 (cited by Labcorp Genetics (formerly Invitae), Labcorp); PubMed 24136930 (cited by Labcorp Genetics (formerly Invitae), Labcorp); PubMed 25099575 (cited by Labcorp Genetics (formerly Invitae), Labcorp).